The following is an entry in ClinVar:

ClinVar aggregate classification (germline): Pathogenic (1 of 4 stars; one submission).

Conditions:
Nemaline myopathy 2 (NEM2). Also called: Nemaline myopathy 2, autosomal recessive. Identifiers: MedGen C1850569, MONDO:0009725, OMIM 256030.

Submission:

Baylor Genetics
Classification: Pathogenic for Nemaline myopathy 2. Last evaluated: 2020-05-05. Review status: criteria provided, single submitter. Criteria: ACMG Guidelines, 2015. Collection method: clinical testing. Allele origin: unknown. Affected: yes.
Comment: This variant was determined to be pathogenic according to ACMG Guidelines, 2015 [PMID:25741868].

NM_001164508.2(NEB):c.13285G>T (p.Glu4429Ter)

Gene: NEB (nebulin; minus strand). Cytogenetic location: 2q23.3.
Variant type: single nucleotide variant.
Coding change: c.13285G>T on transcript NM_001164508.2 (MANE Select); coding-DNA position 13285, G replaced by T.
Protein change: p.Glu4429Ter; replaces glutamic acid 4429 with a stop codon.
Molecular consequence: nonsense. On other transcripts: intron variant (1).
Genome position (GRCh38, 1-based): chr2:151,602,670, C>A on the plus strand (G>T on the coding strand, the complement: NEB is on the minus strand). VCF-style: chr2-151602670-C-A. GRCh37 (hg19) VCF-style: chr2-152459184-C-A.
Other names: c.13285G>T, p.Glu4429Ter (NM_001164507.2, NM_001271208.2); c.11601+7139G>T (NM_004543.5); short protein forms E4429*.
Identifiers: ClinVar variation 1030244 (VCV001030244.1), dbSNP rs2097550591, ClinGen allele CA348771619.
Genomic context (GRCh38, chr2:151,602,670, plus strand): 5'-TTTTGGATTGCAGCATCAGGGGAGTGTCAGCTGGCACGTTCACATTAGCCTTCTCTTTCT[C>A]CCAGGCATCGCGATACAATGGCTGGGAAAAATGAAAAACGATGGAATGGTCAATTAGTAA-3'